The following is an entry in ClinVar:

ClinVar aggregate classification (germline): Uncertain significance (1 of 4 stars; one submission).

gnomAD v4.1: 8 of 1,591,220 alleles (0.0005%); highest among the groups gnomAD compares: South Asian, 0.0034%; no homozygotes.

Submission:

Labcorp Genetics (formerly Invitae), Labcorp
Classification: Uncertain significance. Last evaluated: 2020-12-25. Review status: criteria provided, single submitter. Criteria: Invitae Variant Classification Sherloc (09022015). Collection method: clinical testing. Allele origin: germline.
Comment: In summary, the available evidence is currently insufficient to determine the role of this variant in disease. Therefore, it has been classified as a Variant of Uncertain Significance. Nucleotide substitutions within the consensus splice site are a relatively common cause of aberrant splicing (PMID: 17576681, 9536098). Algorithms developed to predict the effect of sequence changes on RNA splicing suggest that this variant is not likely to affect RNA splicing, but this prediction has not been confirmed by published transcriptional studies. This variant has not been reported in the literature in individuals with HERC1-related conditions. This variant is not present in population databases (ExAC no frequency). This sequence change falls in intron 3 of the HERC1 gene. It does not directly change the encoded amino acid sequence of the HERC1 protein. It affects a nucleotide within the consensus splice site of the intron.

Literature cited by the submitters: PubMed 17576681; PubMed 9536098.

NM_003922.4(HERC1):c.1026+4C>T

Gene: HERC1 (HECT and RLD domain containing E3 ubiquitin protein ligase family member 1; minus strand). Cytogenetic location: 15q22.31.
Variant type: single nucleotide variant.
Coding change: c.1026+4C>T on transcript NM_003922.4 (MANE Select); 4 bases into the intron after coding-DNA position 1026, C replaced by T.
Molecular consequence: intron variant.
Genome position (GRCh38, 1-based): chr15:63,764,092, G>A on the plus strand (C>T on the coding strand, the complement: HERC1 is on the minus strand). VCF-style: chr15-63764092-G-A. GRCh37 (hg19) VCF-style: chr15-64056291-G-A.
Identifiers: ClinVar variation 1467148 (VCV001467148.6), dbSNP rs150326607, ClinGen allele CA618560067.